The following is an entry in ClinVar:

ClinVar aggregate classification (germline): Uncertain significance. Review status: criteria provided, multiple submitters, no conflicts (2 of 4 stars). 2 submissions from 2 submitters: Uncertain significance (2). Last evaluated 2025-08-10.

Conditions:
Inborn genetic diseases. Identifiers: MedGen C0950123, MeSH D030342.

Allele frequency attached by ClinVar (database versions not stated): TOPMed below 0.00001.
gnomAD v4.1: 4 of 1,614,226 alleles (0.00025%); highest among the groups gnomAD compares: Non-Finnish European, 0.00034%; no homozygotes.

Submissions (2):

Ambry Genetics
Classification: Uncertain significance for Inborn genetic diseases. Last evaluated: 2025-08-10. Review status: criteria provided, single submitter. Criteria: Ambry Variant Classification Scheme 2023. Collection method: clinical testing. Allele origin: germline.

CeGaT Center for Human Genetics Tuebingen
Classification: Uncertain significance. Last evaluated: 2023-08-01. Review status: criteria provided, single submitter. Criteria: CeGaT Center For Human Genetics Tuebingen Variant Classification Criteria Version 2. Collection method: clinical testing. Allele origin: germline. Affected: yes. Observed: 1 variant allele.
Comment: TCF20: PM2

NM_001378418.1(TCF20):c.359C>A (p.Pro120His)

Gene: TCF20 (transcription factor 20; minus strand). Cytogenetic location: 22q13.2.
Variant type: single nucleotide variant.
Coding change: c.359C>A on transcript NM_001378418.1 (MANE Select); coding-DNA position 359, C replaced by A.
Protein change: p.Pro120His; replaces proline 120 with histidine.
Molecular consequence: missense variant.
Genome position (GRCh38, 1-based): chr22:42,214,947, G>T on the plus strand (C>A on the coding strand, the complement: TCF20 is on the minus strand). VCF-style: chr22-42214947-G-T. GRCh37 (hg19) VCF-style: chr22-42610953-G-T.
Other names: c.359C>A, p.Pro120His (NM_005650.4, NM_181492.3); c.359C>A (NM_005650.1); short protein forms P120H.
Identifiers: ClinVar variation 2653255 (VCV002653255.25), dbSNP rs1458673481, ClinGen allele CA411793181.